The following is an entry in ClinVar:

ClinVar aggregate classification (germline): Uncertain significance (1 of 4 stars; one submission).

Submission:

GeneDx
Classification: Uncertain significance. Last evaluated: 2025-08-28. Review status: criteria provided, single submitter. Criteria: GeneDx Variant Classification Process June 2021. Collection method: clinical testing. Allele origin: germline. Affected: yes.
Comment: Not observed at significant frequency in large population cohorts (gnomAD); In silico analysis supports that this missense variant has a deleterious effect on protein structure/function; Has not been previously published as pathogenic or benign to our knowledge

NM_001085458.2(CTNND1):c.1379T>C (p.Leu460Pro)

Genes: CTNND1 (catenin delta 1; plus strand), TMX2-CTNND1 (TMX2-CTNND1 readthrough (NMD candidate); plus strand). Cytogenetic location: 11q12.1.
Variant type: single nucleotide variant.
Coding change: c.1379T>C on transcript NM_001085458.2 (MANE Select); coding-DNA position 1379, T replaced by C.
Protein change: p.Leu460Pro; replaces leucine 460 with proline.
Molecular consequence: missense variant. On other transcripts: non-coding transcript variant (1).
Genome position (GRCh38, 1-based): chr11:57,802,155, T>C. VCF-style: chr11-57802155-T-C. GRCh37 (hg19) VCF-style: chr11-57569627-T-C.
Other names: c.1379T>C, p.Leu460Pro (NM_001085459.2, NM_001085460.2, NM_001085461.2 and 3 more transcripts); c.1076T>C, p.Leu359Pro (NM_001085463.2, NM_001085464.2, NM_001085465.2 and 5 more transcripts); c.1217T>C, p.Leu406Pro (NM_001206883.2, NM_001206884.2, NM_001206886.2 and 4 more transcripts); short protein forms L359P, L406P, L460P.
Identifiers: ClinVar variation 4812932 (VCV004812932.1).